The following is an entry in ClinVar:

ClinVar aggregate classification (germline): Likely pathogenic (1 of 4 stars; one submission).

Submission:

GeneDx
Classification: Likely pathogenic. Last evaluated: 2018-03-16. Review status: criteria provided, single submitter. Criteria: GeneDx Variant Classification (06012015). Collection method: clinical testing. Allele origin: germline. Affected: yes.
Comment: The c.4129delG variant in the DOCK8 gene has not been reported previously as a pathogenic variant nor as a benign variant, to our knowledge. The c.4129delG variant causes a frameshift starting with codon Glutamic acid 1377, changes this amino acid to a Arginine residue, and creates a premature Stop codon at position 2 of the new reading frame, denoted p.Glu1377ArgfsX2. This variant is predicted to cause loss of normal protein function either through protein truncation or nonsense-mediated mRNA decay. The c.4129delG variant is not observed in large population cohorts (Lek et al., 2016). We interpret c.4129delG as a likely pathogenic variant.

NM_203447.4(DOCK8):c.4129del (p.Glu1377fs)

Gene: DOCK8 (dedicator of cytokinesis 8; plus strand). Cytogenetic location: 9p24.3.
Variant type: Deletion.
Coding change: c.4129del on transcript NM_203447.4 (MANE Select); coding-DNA position 4129, one base deleted (G; older notation c.4129delG).
Protein change: p.Glu1377fs; shifts the reading frame from glutamic acid 1377.
Molecular consequence: frameshift variant.
Genome position (GRCh38, 1-based): chr9:421,054, G deleted; the last of 4 consecutive G bases (chr9:421,051-421,054); deleting any one gives the same sequence. VCF-style (leftmost placement, unchanged base first): chr9-421050-AG-A. GRCh37 (hg19) VCF-style: chr9-421050-AG-A.
Other names: c.3829del, p.Glu1277fs (NM_001190458.2); c.3925del, p.Glu1309fs (NM_001193536.2); c.4129delG (NM_203447.3); short protein forms E1309fs, E1277fs, E1377fs.
Identifiers: ClinVar variation 523987 (VCV000523987.2), dbSNP rs1554701472, ClinGen allele CA658797185.